The following is an entry in ClinVar:

NM_007186.6(CEP250):c.2391C>T (p.Val797=)

Genes: CEP250 (centrosomal protein 250; plus strand), CEP250-AS1 (CEP250 antisense RNA 1; minus strand). Cytogenetic location: 20q11.22.
Variant type: single nucleotide variant.
Coding change: c.2391C>T on transcript NM_007186.6 (MANE Select); coding-DNA position 2391, C replaced by T.
Protein change: p.Val797=; no amino-acid change (valine 797 retained).
Molecular consequence: synonymous variant.
Genome position (GRCh38, 1-based): chr20:35,479,748, C>T. VCF-style: chr20-35479748-C-T. GRCh37 (hg19) VCF-style: chr20-34067573-C-T.
Other names: p.Val797=; c.495C>T, p.Val165= (NM_001318219.1).
Identifiers: ClinVar variation 708743 (VCV000708743.46), dbSNP rs111853969, ClinGen allele CA9833173.

ClinVar aggregate classification (germline): Benign/Likely benign. Review status: criteria provided, multiple submitters, no conflicts (2 of 4 stars). 7 submissions from 7 submitters: Benign (3); Likely benign (3). 1 of the submissions does not count toward it. Last evaluated 2026-01-27.

Conditions:
Cone-rod dystrophy and hearing loss 2 (CRDHL2). Identifiers: MedGen C5193051, MONDO:0020780, OMIM 618358.
CEP250-related disorder. Also called: CEP250-related condition.

Allele frequency attached by ClinVar (database versions not stated): 1000 Genomes Project 30x 0.00172; 1000 Genomes Project 0.00180; gnomAD 0.00357; gnomAD exomes 0.00409; ExAC 0.00412; TOPMed 0.00542; ESP Exome Variant Server 0.00546.

Submissions (7):

Labcorp Genetics (formerly Invitae), Labcorp
Classification: Benign. Last evaluated: 2026-01-27. Review status: criteria provided, single submitter. Criteria: Invitae Variant Classification Sherloc (09022015). Collection method: clinical testing. Allele origin: germline.

Blueprint Genetics
Classification: Likely benign. Last evaluated: 2024-11-27. Review status: criteria provided, single submitter. Criteria: ACMG Guidelines, 2015. Collection method: clinical testing. Allele origin: germline.

Mayo Clinic Laboratories, Mayo Clinic
Classification: Benign. Last evaluated: 2024-11-14. Review status: criteria provided, single submitter. Criteria: ACMG Guidelines, 2015. Collection method: clinical testing. Allele origin: germline. Observed: 1 variant allele.
Comment: BA1, BP4, BP7

CeGaT Center for Human Genetics Tuebingen
Classification: Likely benign. Last evaluated: 2023-07-01. Review status: criteria provided, single submitter. Criteria: CeGaT Center For Human Genetics Tuebingen Variant Classification Criteria Version 2. Collection method: clinical testing. Allele origin: germline. Affected: yes. Observed: 3 variant alleles.
Comment: CEP250: BP4, BS2

Fulgent Genetics
Classification: Likely benign for Cone-rod dystrophy and hearing loss 2. Last evaluated: 2022-02-28. Review status: criteria provided, single submitter. Criteria: ACMG Guidelines, 2015. Collection method: clinical testing. Allele origin: unknown.

Breakthrough Genomics
Classification: Benign. Review status: criteria provided, single submitter. Criteria: ACMG Guidelines, 2015. Collection method: not provided. Allele origin: germline. Inheritance: Autosomal recessive inheritance. Affected: yes.

PreventionGenetics, part of Exact Sciences
Classification: Benign for CEP250-related condition. Last evaluated: 2022-04-04. Review status: no assertion criteria provided. Collection method: clinical testing. Allele origin: germline. Not counted in ClinVar's aggregate classification.
Comment: This variant is classified as benign based on ACMG/AMP sequence variant interpretation guidelines (Richards et al. 2015 PMID: 25741868, with internal and published modifications).